The following is an entry in ClinVar:

ClinVar aggregate classification (germline): Uncertain significance. Review status: criteria provided, multiple submitters, no conflicts (2 of 4 stars). 2 submissions from 2 submitters: Uncertain significance (2). Last evaluated 2025-12-15.

Conditions:
Hypertrophic cardiomyopathy. Also called: HYPERTROPHIC MYOCARDIOPATHY. Identifiers: Orphanet 217569, MedGen C0007194, MeSH D002312, MONDO:0005045, HP:0001639.

Allele frequency attached by ClinVar (database versions not stated): gnomAD below 0.00001 and 0.00003; ExAC 0.00001; gnomAD exomes 0.00001; 1000 Genomes Project 30x 0.00016; 1000 Genomes Project 0.00020.
gnomAD v4.1: 16 of 1,612,472 alleles (0.00099%); highest among the groups gnomAD compares: East Asian, 0.0089%; 1 homozygote.

Submissions (2):

Labcorp Genetics (formerly Invitae), Labcorp
Classification: Uncertain significance for Hypertrophic cardiomyopathy. Last evaluated: 2025-12-15. Review status: criteria provided, single submitter. Criteria: Invitae Variant Classification Sherloc (09022015). Collection method: clinical testing. Allele origin: germline.
Comment: This sequence change replaces serine, which is neutral and polar, with tyrosine, which is neutral and polar, at codon 68 of the MYOM1 protein (p.Ser68Tyr). This variant is present in population databases (rs565442597, gnomAD 0.006%). This variant has not been reported in the literature in individuals affected with MYOM1-related conditions. ClinVar contains an entry for this variant (Variation ID: 850198). An algorithm developed to predict the effect of missense changes on protein structure and function (PolyPhen-2) suggests that this variant is likely to be disruptive. In summary, the available evidence is currently insufficient to determine the role of this variant in disease. Therefore, it has been classified as a Variant of Uncertain Significance.

Ambry Genetics
Classification: Uncertain significance. Last evaluated: 2025-05-18. Review status: criteria provided, single submitter. Criteria: Ambry Variant Classification Scheme 2023. Collection method: clinical testing. Allele origin: germline.

NM_003803.4(MYOM1):c.203C>A (p.Ser68Tyr)

Gene: MYOM1 (myomesin 1; minus strand). Cytogenetic location: 18p11.31.
Variant type: single nucleotide variant.
Coding change: c.203C>A on transcript NM_003803.4 (MANE Select); coding-DNA position 203, C replaced by A.
Protein change: p.Ser68Tyr; replaces serine 68 with tyrosine.
Molecular consequence: missense variant.
Genome position (GRCh38, 1-based): chr18:3,215,021, G>T on the plus strand (C>A on the coding strand, the complement: MYOM1 is on the minus strand). VCF-style: chr18-3215021-G-T. GRCh37 (hg19) VCF-style: chr18-3215019-G-T.
Other names: c.203C>A, p.Ser68Tyr (NM_019856.2); short protein forms S68Y.
Identifiers: ClinVar variation 850198 (VCV000850198.12), dbSNP rs565442597, ClinGen allele CA8875324.
Genomic context (GRCh38, chr18:3,215,021, plus strand): 5'-GAGGCTGCCTTCCGACTGACTTCAGAGCTCAGGGCGTGCTGCGAGGCCTGCTGCTGGGAG[G>T]AGGAGGCGGACGCCCGACGGAAGGCCTCGGACTCCCGGCGGTGCGCGGCGGAGGAGCGGC-3'
Protein context (NP_003794.3, residues 58-78): SEAFRRASAS[Ser68Tyr]SQQQASQHAL